The following is an entry in ClinVar:

ClinVar aggregate classification (germline): Conflicting classifications of pathogenicity. Review status: criteria provided, conflicting classifications (1 of 4 stars). 2 submissions from 2 submitters: Uncertain significance (1); Likely benign (1). Last evaluated 2026-07-14.

Conditions:
Gastrointestinal stromal tumor. Also called: Gastrointestinal stromal tumor, somatic; Gastrointestinal stroma tumor. Identifiers: Orphanet 44890, MedGen C0238198, MeSH D046152, MONDO:0011719, OMIM 606764, HP:0100723.
Hereditary cancer-predisposing syndrome. Also called: Tumor predisposition; Hereditary neoplastic syndrome; Hereditary Cancer Syndrome; Neoplastic Syndromes, Hereditary. Identifiers: Orphanet 140162, MedGen C0027672, MeSH D009386, MONDO:0015356.

gnomAD v4.1: 1 of 1,535,546 alleles (0.000065%); highest among the groups gnomAD compares: Non-Finnish European, 0.00009%; no homozygotes.

Submissions (2):

Ambry Genetics
Classification: Uncertain significance for Hereditary cancer-predisposing syndrome. Last evaluated: 2026-07-14. Review status: criteria provided, single submitter. Criteria: Ambry Variant Classification Scheme 2023. Collection method: clinical testing. Allele origin: germline.
Comment: The c.1122-5A>T intronic variant results from an A to T substitution 5 nucleotides upstream from coding exon 7 in the PDGFRA gene. This nucleotide position is not well conserved in available vertebrate species. In silico splice site analysis predicts that this alteration will not have any significant effect on splicing. Based on the available evidence, the clinical significance of this variant remains unclear.

Labcorp Genetics (formerly Invitae), Labcorp
Classification: Likely benign for Gastrointestinal stromal tumor. Last evaluated: 2024-11-05. Review status: criteria provided, single submitter. Criteria: Invitae Variant Classification Sherloc (09022015). Collection method: clinical testing. Allele origin: germline.

NM_006206.6(PDGFRA):c.1122-5A>T

Gene: PDGFRA (platelet derived growth factor receptor alpha; plus strand). Cytogenetic location: 4q12.
Variant type: single nucleotide variant.
Coding change: c.1122-5A>T on transcript NM_006206.6 (MANE Select); 5 bases into the intron before coding-DNA position 1122, A replaced by T.
Molecular consequence: intron variant.
Genome position (GRCh38, 1-based): chr4:54,270,628, A>T. VCF-style: chr4-54270628-A-T. GRCh37 (hg19) VCF-style: chr4-55136795-A-T.
Other names: c.1197-5A>T (NM_001347828.2); c.1122-5A>T (NM_001347827.2, NM_001347829.2, NM_006206.4); c.1161-5A>T (NM_001347830.2).
Identifiers: ClinVar variation 3678909 (VCV003678909.3).
Genomic context (GRCh38, chr4:54,270,628, plus strand): 5'-AATTGTTTAAACAATTGGAACTTACTTAGCTACTGCTTGTTGAAACAAAATCCTTTTTTT[A>T]AAAGGTATCGAAGCAAATTAAAGCTGATCCGTGCTAAGGAAGAAGACAGTGGCCATTATA-3'